The following is an entry in ClinVar:

NM_001142864.4(PIEZO1):c.4909C>T (p.Leu1637=)

Gene: PIEZO1 (piezo type mechanosensitive ion channel component 1 (Er blood group); minus strand). Cytogenetic location: 16q24.3.
Variant type: single nucleotide variant.
Coding change: c.4909C>T on transcript NM_001142864.4 (MANE Select); coding-DNA position 4909, C replaced by T.
Protein change: p.Leu1637=; no amino-acid change (leucine 1637 retained).
Molecular consequence: synonymous variant.
Genome position (GRCh38, 1-based): chr16:88,722,264, G>A on the plus strand (C>T on the coding strand, the complement: PIEZO1 is on the minus strand). VCF-style: chr16-88722264-G-A. GRCh37 (hg19) VCF-style: chr16-88788672-G-A.
Other names: p.Leu1637=.
Identifiers: ClinVar variation 4684135 (VCV004684135.2).

ClinVar aggregate classification (germline): Benign/Likely benign. Review status: criteria provided, multiple submitters, no conflicts (2 of 4 stars). 2 submissions from 2 submitters: Benign (1); Likely benign (1). Last evaluated 2025-09-15.

gnomAD v4.1: 27 of 1,548,388 alleles (0.0017%); highest among the groups gnomAD compares: Non-Finnish European, 0.0023%; no homozygotes.

Submissions (2):

Labcorp Genetics (formerly Invitae), Labcorp
Classification: Benign. Last evaluated: 2025-09-15. Review status: criteria provided, single submitter. Criteria: Invitae Variant Classification Sherloc (09022015). Collection method: clinical testing. Allele origin: germline.

Mayo Clinic Laboratories, Mayo Clinic
Classification: Likely benign. Last evaluated: 2025-02-19. Review status: criteria provided, single submitter. Criteria: ACMG Guidelines, 2015. Collection method: clinical testing. Allele origin: germline. Observed: 1 variant allele.
Comment: BP4, BP7, PM2_supporting